The following is an entry in ClinVar:

ClinVar aggregate classification (germline): Uncertain significance. Review status: criteria provided, multiple submitters, no conflicts (2 of 4 stars). 3 submissions from 3 submitters: Uncertain significance (3). Last evaluated 2026-07-31.

Conditions:
Leukodystrophy, hypomyelinating, 6. Also called: TUBB4A-Associated Leukodystrophy; LEUKODYSTROPHY, HYPOMYELINATING, WITH ATROPHY OF THE BASAL GANGLIA AND CEREBELLUM; Hypomyelination with Atrophy of Basal Ganglia and Cerebellum (H-ABC). Identifiers: Orphanet 139441, MedGen C2676244, MONDO:0012905, OMIM 612438.

Allele frequency attached by ClinVar (database versions not stated): gnomAD exomes below 0.00001.
gnomAD v4.1: 3 of 1,613,998 alleles (0.00019%); highest among the groups gnomAD compares: Non-Finnish European, 0.00025%; no homozygotes.

Submissions (3):

GeneDx
Classification: Uncertain significance. Last evaluated: 2026-07-31. Review status: criteria provided, single submitter. Criteria: GeneDx Variant Classification Process June 2021. Collection method: clinical testing. Allele origin: germline.
Comment: Not observed at significant frequency in large population cohorts (gnomAD); In silico analysis suggests that this missense variant does not alter protein structure/function; Has not been previously published as pathogenic or benign to our knowledge

Labcorp Genetics (formerly Invitae), Labcorp
Classification: Uncertain significance for Leukodystrophy, hypomyelinating, 6. Last evaluated: 2023-11-20. Review status: criteria provided, single submitter. Criteria: Invitae Variant Classification Sherloc (09022015). Collection method: clinical testing. Allele origin: germline.
Comment: This sequence change replaces alanine, which is neutral and non-polar, with valine, which is neutral and non-polar, at codon 301 of the TUBB4A protein (p.Ala301Val). This variant is not present in population databases (gnomAD no frequency). This variant has not been reported in the literature in individuals affected with TUBB4A-related conditions. ClinVar contains an entry for this variant (Variation ID: 2578225). Advanced modeling of protein sequence and biophysical properties (such as structural, functional, and spatial information, amino acid conservation, physicochemical variation, residue mobility, and thermodynamic stability) performed at Invitae indicates that this missense variant is not expected to disrupt TUBB4A protein function with a negative predictive value of 80%. In summary, the available evidence is currently insufficient to determine the role of this variant in disease. Therefore, it has been classified as a Variant of Uncertain Significance.

Blueprint Genetics
Classification: Uncertain significance. Last evaluated: 2022-09-21. Review status: criteria provided, single submitter. Criteria: ACMG Guidelines, 2015. Collection method: clinical testing. Allele origin: germline.

NM_006087.4(TUBB4A):c.902C>T (p.Ala301Val)

Gene: TUBB4A (tubulin beta 4A class IVa; minus strand). Cytogenetic location: 19p13.3.
Variant type: single nucleotide variant.
Coding change: c.902C>T on transcript NM_006087.4 (MANE Select); coding-DNA position 902, C replaced by T.
Protein change: p.Ala301Val; replaces alanine 301 with valine.
Molecular consequence: missense variant.
Genome position (GRCh38, 1-based): chr19:6,495,597, G>A on the plus strand (C>T on the coding strand, the complement: TUBB4A is on the minus strand). VCF-style: chr19-6495597-G-A. GRCh37 (hg19) VCF-style: chr19-6495608-G-A.
Other names: c.1055C>T, p.Ala352Val (NM_001289123.2); c.1037C>T, p.Ala346Val (NM_001289127.2); c.902C>T, p.Ala301Val (NM_001289129.2); c.686C>T, p.Ala229Val (NM_001289130.2, NM_001289131.2); short protein forms A229V, A301V, A346V, A352V.
Identifiers: ClinVar variation 2578225 (VCV002578225.6), dbSNP rs1914113945, ClinGen allele CA403590529.
Genomic context (GRCh38, chr19:6,495,597, plus strand): 5'-ATGCGGCCCCGGAACACGGCGGCCACGGTCAGGTAGCGGCCGTGGCGCGGGTCGCACGCC[G>A]CCATCATGTTCTTGGCATCGAACATCTGCTGGGTGAGCTCGGGCACCGTCAGGGCCCGGT-3'
Protein context (NP_006078.2, residues 291-311): QQMFDAKNMM[Ala301Val]ACDPRHGRYL